The following is an entry in ClinVar:

NM_001349798.2(FBXW7):c.566_567delinsGT (p.Lys189Ser)

Gene: FBXW7 (F-box and WD repeat domain containing 7; minus strand). Cytogenetic location: 4q31.3.
Variant type: Indel.
Coding change: c.566_567delinsGT on transcript NM_001349798.2 (MANE Select); coding-DNA positions 566 to 567, AA replaced by GT.
Protein change: p.Lys189Ser; replaces lysine 189 with serine.
Molecular consequence: missense variant.
Genome position (GRCh38, 1-based): chr4:152,350,059-152,350,060, TT replaced by AC on the plus strand (AA replaced by GT on the coding strand, the reverse complement: FBXW7 is on the minus strand). VCF-style: chr4-152350059-TT-AC. GRCh37 (hg19) VCF-style: chr4-153271211-TT-AC.
Other names: c.212_213delinsGT, p.Lys71Ser (NM_001013415.2); c.326_327delinsGT, p.Lys109Ser (NM_018315.5); c.566_567delinsGT, p.Lys189Ser (NM_033632.3); short protein forms K109S, K189S, K71S.
Identifiers: ClinVar variation 3371801 (VCV003371801.1).

ClinVar aggregate classification (germline): Uncertain significance (1 of 4 stars; one submission).

Submission:

GeneDx
Classification: Uncertain significance. Last evaluated: 2024-04-01. Review status: criteria provided, single submitter. Criteria: GeneDx Variant Classification Process June 2021. Collection method: clinical testing. Allele origin: germline. Affected: yes.
Comment: Not observed at significant frequency in large population cohorts (gnomAD); In silico analysis supports a deleterious effect on protein structure/function; Has not been previously published as pathogenic or benign to our knowledge